The following is an entry in ClinVar:

NM_133448.3(TMEM132D):c.2657C>A (p.Thr886Asn)

Gene: TMEM132D (transmembrane protein 132D; minus strand). Cytogenetic location: 12q24.33.
Variant type: single nucleotide variant.
Coding change: c.2657C>A on transcript NM_133448.3 (MANE Select); coding-DNA position 2657, C replaced by A.
Protein change: p.Thr886Asn; replaces threonine 886 with asparagine.
Molecular consequence: missense variant.
Genome position (GRCh38, 1-based): chr12:129,074,518, G>T on the plus strand (C>A on the coding strand, the complement: TMEM132D is on the minus strand). VCF-style: chr12-129074518-G-T. GRCh37 (hg19) VCF-style: chr12-129559063-G-T.
Other names: short protein forms T886N.
Identifiers: ClinVar variation 3056991 (VCV003056991.2), dbSNP rs150964423, ClinGen allele CA6875748.
Genomic context (GRCh38, chr12:129,074,518, plus strand): 5'-AGGTCATTCCCATCCATTTCCCCATTGCTTCTGGGGAGGTCCACCTGGGCTGGGAAGCTG[G>T]TGAGGTCGCTGGGGATGGTCTGCAAGTGGCTGTTGTCATCTAAAAGGCTTTCCTGGCCTT-3'
Protein context (NP_597705.2, residues 876-896): SHLQTIPSDL[Thr886Asn]SFPAQVDLPR

ClinVar aggregate classification (germline): Benign (0 of 4 stars; one submission).

Conditions:
TMEM132D-related disorder. Also called: TMEM132D-related condition.

Allele frequency attached by ClinVar (database versions not stated): gnomAD exomes 0.00044; gnomAD 0.00061; TOPMed 0.00081; ExAC 0.00102; 1000 Genomes Project 30x 0.00265; 1000 Genomes Project 0.00280.
gnomAD v4.1: 744 of 1,614,098 alleles (0.046%); highest among the groups gnomAD compares: East Asian, 1.3%; 9 homozygotes.

Submission:

PreventionGenetics, part of Exact Sciences
Classification: Benign for TMEM132D-related condition. Last evaluated: 2019-02-20. Review status: no assertion criteria provided. Collection method: clinical testing. Allele origin: germline.
Comment: This variant is classified as benign based on ACMG/AMP sequence variant interpretation guidelines (Richards et al. 2015 PMID: 25741868, with internal and published modifications).